The following is an entry in ClinVar:

ClinVar aggregate classification (germline): Uncertain significance (1 of 4 stars; one submission).

Submission:

GeneDx
Classification: Uncertain significance. Last evaluated: 2025-06-12. Review status: criteria provided, single submitter. Criteria: GeneDx Variant Classification Process June 2021. Collection method: clinical testing. Allele origin: germline.
Comment: In silico analysis supports that this missense variant does not alter protein structure/function; Has not been previously published as pathogenic or benign to our knowledge

NM_032545.4(CFC1):c.596C>T (p.Pro199Leu)

Gene: CFC1 (cryptic, EGF-CFC family member 1; minus strand). Cytogenetic location: 2q21.1.
Variant type: single nucleotide variant.
Coding change: c.596C>T on transcript NM_032545.4 (MANE Select); coding-DNA position 596, C replaced by T.
Protein change: p.Pro199Leu; replaces proline 199 with leucine.
Molecular consequence: missense variant.
Genome position (GRCh38, 1-based): chr2:130,592,953, G>A on the plus strand (C>T on the coding strand, the complement: CFC1 is on the minus strand). VCF-style: chr2-130592953-G-A. GRCh37 (hg19) VCF-style: chr2-131350526-G-A.
Other names: c.481C>T, p.Leu161Phe (NM_001270420.2); c.371C>T, p.Pro124Leu (NM_001270421.2); short protein forms L161F, P124L, P199L.
Identifiers: ClinVar variation 3368929 (VCV003368929.2).
Genomic context (GRCh38, chr2:130,592,953, plus strand): 5'-AGTCCCGGCCTTCCGCAGGGGCGCCGCTCCCGCTGGAGGACGGAAGGGACCAGGGACCGA[G>A]GGTGCGCGGGCGCATCCGGGCGCAGGAGGCGGTGCAGGAGTGCGCAGGGCAGCAAGAGTA-3'
Protein context (NP_115934.1, residues 189-209): RLLRPDAPAH[Pro199Leu]RSLVPSVLQR